The following is an entry in ClinVar:

NM_000059.4(BRCA2):c.1707G>A (p.Gln569=)

Gene: BRCA2 (BRCA2 DNA repair associated; plus strand). Cytogenetic location: 13q13.1.
Variant type: single nucleotide variant.
Coding change: c.1707G>A on transcript NM_000059.4 (MANE Select); coding-DNA position 1707, G replaced by A.
Protein change: p.Gln569=; no amino-acid change (glutamine 569 retained).
Molecular consequence: synonymous variant.
Genome position (GRCh38, 1-based): chr13:32,333,185, G>A. VCF-style: chr13-32333185-G-A. GRCh37 (hg19) VCF-style: chr13-32907322-G-A.
Identifiers: ClinVar variation 480967 (VCV000480967.8), dbSNP rs1555282027, ClinGen allele CA483436628.

ClinVar aggregate classification (germline): Likely benign. Review status: criteria provided, multiple submitters, no conflicts (2 of 4 stars). 3 submissions from 3 submitters: Likely benign (3). Last evaluated 2026-02-03.

Conditions:
Hereditary cancer-predisposing syndrome. Also called: Hereditary Cancer Syndrome; Neoplastic Syndromes, Hereditary; Tumor predisposition; Hereditary neoplastic syndrome. Identifiers: Orphanet 140162, MedGen C0027672, MeSH D009386, MONDO:0015356.
Hereditary breast ovarian cancer syndrome. Also called: Hereditary breast and ovarian cancer syndrome; Hereditary breast and ovarian cancer; Hereditary breast and ovarian cancer syndrome (HBOC); Breast and ovarian cancer; Hereditary breast and/or ovarian cancer syndrome; BRCA1- and BRCA2-Associated Hereditary Breast and Ovarian Cancer. Identifiers: Orphanet 145, MedGen C0677776, MeSH D061325, MONDO:0003582. Disease mechanism: loss of function.

Submissions (3):

Labcorp Genetics (formerly Invitae), Labcorp
Classification: Likely benign for Hereditary breast ovarian cancer syndrome. Last evaluated: 2026-02-03. Review status: criteria provided, single submitter. Criteria: Invitae Variant Classification Sherloc (09022015). Collection method: clinical testing. Allele origin: germline.

GeneDx
Classification: Likely benign. Last evaluated: 2018-03-01. Review status: criteria provided, single submitter. Criteria: GeneDx Variant Classification (06012015). Collection method: clinical testing. Allele origin: germline. Affected: yes.
Comment: This variant is considered likely benign or benign based on one or more of the following criteria: it is a conservative change, it occurs at a poorly conserved position in the protein, it is predicted to be benign by multiple in silico algorithms, and/or has population frequency not consistent with disease.

Ambry Genetics
Classification: Likely benign for Hereditary cancer-predisposing syndrome. Last evaluated: 2016-01-21. Review status: criteria provided, single submitter. Criteria: Ambry Variant Classification Scheme 2023. Collection method: clinical testing. Allele origin: germline.